The following is an entry in ClinVar:

NM_000238.4(KCNH2):c.1933A>T (p.Met645Leu)

Gene: KCNH2 (potassium voltage-gated channel subfamily H member 2; minus strand). Cytogenetic location: 7q36.1.
Variant type: single nucleotide variant.
Coding change: c.1933A>T on transcript NM_000238.4 (MANE Select); coding-DNA position 1933, A replaced by T.
Protein change: p.Met645Leu; replaces methionine 645 with leucine.
Molecular consequence: missense variant.
Genome position (GRCh38, 1-based): chr7:150,951,460, T>A on the plus strand (A>T on the coding strand, the complement: KCNH2 is on the minus strand). VCF-style: chr7-150951460-T-A. GRCh37 (hg19) VCF-style: chr7-150648548-T-A.
Other names: c.1933A>T (LRG_288t1); c.913A>T, p.Met305Leu (NM_001204798.2, NM_172057.3); c.1645A>T, p.Met549Leu (NM_001406753.1, NM_001406756.1); c.1756A>T, p.Met586Leu (NM_001406755.1); c.1633A>T, p.Met545Leu (NM_001406757.1); c.1933A>T, p.Met645Leu (NM_172056.3); short protein forms M305L, M645L, M549L, M545L, M586L.
Identifiers: ClinVar variation 67342 (VCV000067342.5), dbSNP rs199472974, ClinGen allele CA006054.

ClinVar aggregate classification (germline): Uncertain significance. Review status: criteria provided, single submitter (1 of 4 stars). 2 submissions from 2 submitters: Uncertain significance (1). 1 of the submissions does not count toward it. Last evaluated 2024-12-22.

Conditions:
Familial long QT syndrome (RWS). Also called: Congenital long QT syndrome; Romano-Ward syndrome; VENTRICULAR FIBRILLATION WITH PROLONGED QT INTERVAL. Identifiers: Orphanet 768, MedGen C1141890, MONDO:0019171.
Long QT syndrome (LQTS). Identifiers: MedGen C0023976, MeSH D008133, MONDO:0002442. Disease mechanism: loss of function. Inheritance: Various modes of inheritance.

Submissions (2):

Labcorp Genetics (formerly Invitae), Labcorp
Classification: Uncertain significance for Long QT syndrome. Last evaluated: 2024-12-22. Review status: criteria provided, single submitter. Criteria: Invitae Variant Classification Sherloc (09022015). Collection method: clinical testing. Allele origin: germline.
Comment: This sequence change replaces methionine, which is neutral and non-polar, with leucine, which is neutral and non-polar, at codon 645 of the KCNH2 protein (p.Met645Leu). This variant is not present in population databases (gnomAD no frequency). This missense change has been observed in individual(s) with Long QT syndrome (PMID: 10973849, 12566525, 19038855, 19926013, 22949429). ClinVar contains an entry for this variant (Variation ID: 67342). An algorithm developed to predict the effect of missense changes on protein structure and function (PolyPhen-2) suggests that this variant is likely to be tolerated. This variant disrupts the p.Met645 amino acid residue in KCNH2. Other variant(s) that disrupt this residue have been determined to be pathogenic (PMID: 14998624, 22407026; internal data). This suggests that this residue is clinically significant, and that variants that disrupt this residue are likely to be disease-causing. In summary, the available evidence is currently insufficient to determine the role of this variant in disease. Therefore, it has been classified as a Variant of Uncertain Significance.

Cardiovascular Biomedical Research Unit, Royal Brompton & Harefield NHS Foundation Trust
No classification provided. Condition: Familial long QT syndrome. Review status: no classification provided. Collection method: literature only. Allele origin: germline. Not counted in ClinVar's aggregate classification.
Comment: This variant has been reported as associated with Long QT syndrome in the following publications (PMID:10973849;PMID:12566525;PMID:15051636;PMID:19926013). This is a literature report, and does not necessarily reflect the clinical interpretation of the Imperial College / Royal Brompton Cardiovascular Genetics laboratory.

Literature cited by the submitters: PubMed 10973849 (cited by Labcorp Genetics (formerly Invitae), Labcorp and Cardiovascular Biomedical Research Unit, Royal Brompton & Harefield NHS Foundation Trust); PubMed 12566525 (cited by Labcorp Genetics (formerly Invitae), Labcorp and Cardiovascular Biomedical Research Unit, Royal Brompton & Harefield NHS Foundation Trust); PubMed 19038855 (cited by Labcorp Genetics (formerly Invitae), Labcorp); PubMed 19926013 (cited by Labcorp Genetics (formerly Invitae), Labcorp and Cardiovascular Biomedical Research Unit, Royal Brompton & Harefield NHS Foundation Trust); PubMed 22949429 (cited by Labcorp Genetics (formerly Invitae), Labcorp); PubMed 14998624 (cited by Labcorp Genetics (formerly Invitae), Labcorp); PubMed 22407026 (cited by Labcorp Genetics (formerly Invitae), Labcorp); PubMed 15051636 (cited by Cardiovascular Biomedical Research Unit, Royal Brompton & Harefield NHS Foundation Trust); PubMed 22581653 (cited by Cardiovascular Biomedical Research Unit, Royal Brompton & Harefield NHS Foundation Trust).